The following is an entry in ClinVar:

NM_001754.5(RUNX1):c.1341G>A (p.Pro447=)

Gene: RUNX1 (RUNX family transcription factor 1; minus strand). Cytogenetic location: 21q22.12.
Variant type: single nucleotide variant.
Coding change: c.1341G>A on transcript NM_001754.5 (MANE Select); coding-DNA position 1341, G replaced by A.
Protein change: p.Pro447=; no amino-acid change (proline 447 retained).
Molecular consequence: synonymous variant.
Genome position (GRCh38, 1-based): chr21:34,792,237, C>T on the plus strand (G>A on the coding strand, the complement: RUNX1 is on the minus strand). VCF-style: chr21-34792237-C-T. GRCh37 (hg19) VCF-style: chr21-36164534-C-T.
Other names: NM_001754.5(RUNX1):c.1341G>A; p.Pro447=; c.1260G>A, p.Pro420= (NM_001001890.3).
Identifiers: ClinVar variation 774574 (VCV000774574.12), dbSNP rs1601332235, ClinGen allele CA512341010.
Genomic context (GRCh38, chr21:34,792,237, plus strand): 5'-CGCCATGTTGGTGGGGGAGTTGCTGTGGCTGCCCTCGGCCTCCACCACGTCGCTCTGGTT[C>T]GGGAGGCTGGGGTTGAGCAGCGCGGAGCCGGTGGAGGCGTTGGTGCAGGGCGGCAGGATG-3'
Protein context (NP_001745.2, residues 437-457): TGSALLNPSL[Pro447=]NQSDVVEAEG

ClinVar aggregate classification (germline): Likely benign. Review status: reviewed by expert panel (3 of 4 stars). 3 submissions from 3 submitters: Likely benign (1). 2 of the submissions do not count toward it. Last evaluated 2024-08-28.

Conditions:
Hereditary thrombocytopenia and hematological cancer predisposition syndrome associated with RUNX1. Also called: PLATELET DISORDER, ASPIRIN-LIKE; Familial Platelet Disorder with Propensity to Acute Myelogenous Leukemia; Familial thrombocytopenia with propensity to acute myelogenous leukemia; RUNX1 Familial Platelet Disorder with Associated Myeloid Malignancies. Identifiers: Orphanet 71290, MedGen C1832388, MeSH C563324, MONDO:0100083, OMIM 601399.
Hereditary thrombocytopenia and hematologic cancer predisposition syndrome. Identifiers: Orphanet 71290, MedGen CN281654, MONDO:0011071.
Inborn genetic diseases. Identifiers: MedGen C0950123, MeSH D030342.

Submissions (3):

ClinGen Myeloid Malignancy Variant Curation Expert Panel
Classification: Likely benign for Hereditary thrombocytopenia and hematologic cancer predisposition syndrome. Last evaluated: 2024-08-28. Review status: reviewed by expert panel. Criteria: ClinGen MyeloMalig ACMG Specifications v2. Collection method: curation. Allele origin: germline. Inheritance: Autosomal dominant inheritance.
Comment: NM_001754.5(RUNX1):c.1341G>A (p.Pro447=) is a synonymous variant which has a SpliceAI score ≤ 0.20 (0.0) (BP4). This variant has a SpliceAI score ≤ 0.20 (0.0) and evolutionary conservation algorithms predict the site as not being conserved (PhyloP score ≤ 2.0 (-0.38)) (BP7). This variant is completely absent from all population databases with at least 20x coverage for RUNX1 (PM2_Supporting). In summary, this variant meets criteria to be classified as likely benign. ACMG/AMP criteria applied, as specified by the Myeloid Malignancy Variant Curation Expert Panel for RUNX1: BP4, BP7, PM2_supporting.

Ambry Genetics
Classification: Likely benign for Inborn genetic diseases. Last evaluated: 2024-12-21. Review status: criteria provided, single submitter. Criteria: Ambry Variant Classification Scheme 2023. Collection method: clinical testing. Allele origin: germline. Not counted in ClinVar's aggregate classification.

Labcorp Genetics (formerly Invitae), Labcorp
Classification: Likely benign for Hereditary thrombocytopenia and hematological cancer predisposition syndrome associated with RUNX1. Last evaluated: 2018-10-30. Review status: criteria provided, single submitter. Criteria: Invitae Variant Classification Sherloc (09022015). Collection method: clinical testing. Allele origin: germline. Not counted in ClinVar's aggregate classification.